The following is an entry in ClinVar:

ClinVar aggregate classification (germline): Uncertain significance (1 of 4 stars; one submission).

Submission:

GeneDx
Classification: Uncertain significance. Last evaluated: 2022-01-14. Review status: criteria provided, single submitter. Criteria: GeneDx Variant Classification Process June 2021. Collection method: clinical testing. Allele origin: germline. Affected: yes.
Comment: Not observed at significant frequency in large population cohorts (gnomAD); In silico analysis supports that this missense variant has a deleterious effect on protein structure/function; Has not been previously published as pathogenic or benign to our knowledge

NM_001110556.2(FLNA):c.3751C>T (p.Pro1251Ser)

Gene: FLNA (filamin A; minus strand). Cytogenetic location: Xq28.
Variant type: single nucleotide variant.
Coding change: c.3751C>T on transcript NM_001110556.2 (MANE Select); coding-DNA position 3751, C replaced by T.
Protein change: p.Pro1251Ser; replaces proline 1251 with serine.
Molecular consequence: missense variant.
Genome position (GRCh38, 1-based): chrX:154,360,044, G>A on the plus strand (C>T on the coding strand, the complement: FLNA is on the minus strand). VCF-style: chrX-154360044-G-A. GRCh37 (hg19) VCF-style: chrX-153588412-G-A.
Other names: c.3751C>T, p.Pro1251Ser (NM_001456.4); short protein forms P1251S.
Identifiers: ClinVar variation 1697022 (VCV001697022.2), dbSNP rs2148111963, ClinGen allele CA415222757.